The following is an entry in ClinVar:

NM_000426.4(LAMA2):c.7074C>A (p.Tyr2358Ter)

Gene: LAMA2 (laminin subunit alpha 2; plus strand). Cytogenetic location: 6q22.33.
Variant type: single nucleotide variant.
Coding change: c.7074C>A on transcript NM_000426.4 (MANE Select); coding-DNA position 7074, C replaced by A.
Protein change: p.Tyr2358Ter; replaces tyrosine 2358 with a stop codon.
Molecular consequence: nonsense.
Genome position (GRCh38, 1-based): chr6:129,464,371, C>A. VCF-style: chr6-129464371-C-A. GRCh37 (hg19) VCF-style: chr6-129785516-C-A.
Other names: c.7074C>A, p.Tyr2358Ter (NM_001079823.2); short protein forms Y2358*.
Identifiers: ClinVar variation 431964 (VCV000431964.27), dbSNP rs762806915, ClinGen allele CA3994436.

ClinVar aggregate classification (germline): Pathogenic/Likely pathogenic. Review status: criteria provided, multiple submitters, no conflicts (2 of 4 stars). 8 submissions from 8 submitters: Pathogenic (6); Likely pathogenic (1). 1 of the submissions does not count toward it. Last evaluated 2025-12-13.

Conditions:
LAMA2-related disorder. Also called: LAMA2-related disorders; LAMA2-related condition.
Merosin deficient congenital muscular dystrophy (MDC1A). Also called: Congenital merosin-deficient muscular dystrophy 1A; Congenital Muscular Dystrophy Type 1A (MDC1A). Identifiers: Orphanet 258, MedGen C1263858, MONDO:0011925, OMIM 607855.
Muscular dystrophy, limb-girdle, autosomal recessive 23. Identifiers: Orphanet 565837, MedGen C4748327, MONDO:0029136, OMIM 618138.
LAMA2-related muscular dystrophy (LAMA2-RD). Also called: Laminin alpha 2-related dystrophy. Identifiers: MedGen C5679788, MONDO:0100228.

Allele frequency attached by ClinVar (database versions not stated): TOPMed below 0.00001; gnomAD 0.00001; ExAC 0.00002; gnomAD exomes 0.00003.
gnomAD v4.1: 27 of 1,611,458 alleles (0.0017%); highest among the groups gnomAD compares: Non-Finnish European, 0.00051%; no homozygotes.

Submissions (8):

Labcorp Genetics (formerly Invitae), Labcorp
Classification: Pathogenic for LAMA2-related muscular dystrophy. Last evaluated: 2025-12-13. Review status: criteria provided, single submitter. Criteria: Invitae Variant Classification Sherloc (09022015). Collection method: clinical testing. Allele origin: germline.
Comment: This sequence change creates a premature translational stop signal (p.Tyr2358*) in the LAMA2 gene. It is expected to result in an absent or disrupted protein product. Loss-of-function variants in LAMA2 are known to be pathogenic (PMID: 18700894, 32904964). This variant is present in population databases (rs762806915, gnomAD 0.04%). This premature translational stop signal has been observed in individual(s) with congenital muscular dystrophy (PMID: 9674786). ClinVar contains an entry for this variant (Variation ID: 431964). For these reasons, this variant has been classified as Pathogenic.

PreventionGenetics, part of Exact Sciences
Classification: Likely pathogenic for LAMA2-related condition. Last evaluated: 2024-11-11. Review status: criteria provided, single submitter. Criteria: ACMG Guidelines, 2015. Collection method: clinical testing. Allele origin: germline.
Comment: The LAMA2 c.7074C>A variant is predicted to result in premature protein termination (p.Tyr2358*). This variant has been reported in individuals with merosin deficient congenital muscular dystrophy (Pegoraro et al. 1998. PubMed ID: 9674786). This variant is reported in 0.050% of alleles in individuals of Ashkenazi Jewish descent in gnomAD. Nonsense variants in LAMA2 are expected to be pathogenic. This variant is interpreted as likely pathogenic.

Fulgent Genetics
Classification: Pathogenic for Merosin deficient congenital muscular dystrophy; Muscular dystrophy, limb-girdle, autosomal recessive 23. Last evaluated: 2024-03-21. Review status: criteria provided, single submitter. Criteria: ACMG Guidelines, 2015. Collection method: clinical testing. Allele origin: germline.

Baylor Genetics
Classification: Pathogenic for Merosin deficient congenital muscular dystrophy. Last evaluated: 2024-01-25. Review status: criteria provided, single submitter. Criteria: ACMG Guidelines, 2015. Collection method: clinical testing. Allele origin: unknown.

Revvity Omics, Revvity
Classification: Pathogenic. Last evaluated: 2022-07-25. Review status: criteria provided, single submitter. Criteria: ACMG Guidelines, 2015. Collection method: clinical testing. Allele origin: germline.

GeneDx
Classification: Pathogenic. Last evaluated: 2019-08-06. Review status: criteria provided, single submitter. Criteria: GeneDx Variant Classification Process June 2021. Collection method: clinical testing. Allele origin: germline. Affected: yes.
Comment: Observed in a patient with congenital muscular dystrophy who harbored a second pathogenic LAMA2 variant in the published literature (Pegoraro et al., 1998); Not observed at a significant frequency in large population cohorts (Lek et al., 2016); Nonsense variant predicted to result in protein truncation or nonsense mediated decay in a gene for which loss-of-function is a known mechanism of disease; This variant is associated with the following publications: (PMID: 25525159, 9674786, 11369186, 30055037)

Athena Diagnostics
Classification: Pathogenic. Last evaluated: 2017-06-30. Review status: criteria provided, single submitter. Criteria: Athena Diagnostics Criteria. Collection method: clinical testing. Allele origin: germline.

Counsyl
Classification: Likely pathogenic for Merosin deficient congenital muscular dystrophy. Last evaluated: 2017-03-23. Review status: no assertion criteria provided. Collection method: clinical testing. Allele origin: unknown. Not counted in ClinVar's aggregate classification.

Literature cited by the submitters: PubMed 18700894 (cited by Labcorp Genetics (formerly Invitae), Labcorp); PubMed 32904964 (cited by Labcorp Genetics (formerly Invitae), Labcorp); PubMed 9674786 (cited by 3 submitters); PubMed 11369186 (cited by Athena Diagnostics); PubMed 25525159 (cited by Counsyl).